The following is an entry in ClinVar:

NM_004360.5(CDH1):c.258A>G (p.Lys86=)

Gene: CDH1 (cadherin 1; plus strand). Cytogenetic location: 16q22.1.
Variant type: single nucleotide variant.
Coding change: c.258A>G on transcript NM_004360.5 (MANE Select); coding-DNA position 258, A replaced by G.
Protein change: p.Lys86=; no amino-acid change (lysine 86 retained).
Molecular consequence: synonymous variant. On other transcripts: 5 prime UTR variant (2).
Genome position (GRCh38, 1-based): chr16:68,801,764, A>G. VCF-style: chr16-68801764-A-G. GRCh37 (hg19) VCF-style: chr16-68835667-A-G.
Other names: c.258A>G, p.Lys86= (NM_001317184.2); c.-1358A>G (NM_001317185.2); c.-1562A>G (NM_001317186.2).
Identifiers: ClinVar variation 1136891 (VCV001136891.12), dbSNP rs2152126783, ClinGen allele CA496152646.

ClinVar aggregate classification (germline): Benign/Likely benign. Review status: criteria provided, multiple submitters, no conflicts (2 of 4 stars). 3 submissions from 3 submitters: Benign (1); Likely benign (2). Last evaluated 2024-09-12.

Conditions:
Hereditary cancer-predisposing syndrome. Also called: Neoplastic Syndromes, Hereditary; Hereditary neoplastic syndrome; Tumor predisposition; Hereditary Cancer Syndrome. Identifiers: Orphanet 140162, MedGen C0027672, MeSH D009386, MONDO:0015356.
Hereditary diffuse gastric adenocarcinoma (HDGC). Also called: DIFFUSE GASTRIC AND LOBULAR BREAST CANCER SYNDROME. Identifiers: Orphanet 26106, MedGen C1708349, MONDO:0007648, OMIM 137215.

Submissions (3):

Myriad Genetics, Inc.
Classification: Benign for Hereditary diffuse gastric adenocarcinoma. Last evaluated: 2024-09-12. Review status: criteria provided, single submitter. Criteria: Myriad Autosomal Dominant, Autosomal Recessive and X-Linked Classification Criteria (2023). Collection method: clinical testing. Allele origin: unknown.
Comment: This variant is considered benign. This variant is a silent/synonymous amino acid change and it is not expected to impact splicing.

Labcorp Genetics (formerly Invitae), Labcorp
Classification: Likely benign for Hereditary diffuse gastric adenocarcinoma. Last evaluated: 2023-04-07. Review status: criteria provided, single submitter. Criteria: Invitae Variant Classification Sherloc (09022015). Collection method: clinical testing. Allele origin: germline.

Ambry Genetics
Classification: Likely benign for Hereditary cancer-predisposing syndrome. Last evaluated: 2017-10-23. Review status: criteria provided, single submitter. Criteria: Ambry Variant Classification Scheme 2023. Collection method: clinical testing. Allele origin: germline.